The following is an entry in ClinVar:

NM_020937.4(FANCM):c.81del (p.Gly28fs)

Genes: FANCM (FA complementation group M; plus strand), LOC130055524 (ATAC-STARR-seq lymphoblastoid active region 8299; plus strand). Cytogenetic location: 14q21.2.
Variant type: Deletion.
Coding change: c.81del on transcript NM_020937.4 (MANE Select); coding-DNA position 81, one base deleted (C; older notation c.81delC).
Protein change: p.Gly28fs; shifts the reading frame from glycine 28.
Molecular consequence: frameshift variant.
Genome position (GRCh38, 1-based): chr14:45,136,112, C deleted; the last of 2 consecutive C bases (chr14:45,136,111-45,136,112); deleting either gives the same sequence. VCF-style (leftmost placement, unchanged base first): chr14-45136110-TC-T. GRCh37 (hg19) VCF-style: chr14-45605313-TC-T.
Other names: c.81del, p.Gly28fs (NM_001308133.2, NM_001308134.2); short protein forms G28fs.
Identifiers: ClinVar variation 1415928 (VCV001415928.6), dbSNP rs2139099848, ClinGen allele CA2573149933.
Genomic context (GRCh38, chr14:45,136,110, plus strand): 5'-ACGCTTTTTCAGACGTGGGGCTCAAGTATCTCCCGATCATCTGGGACTCCGGGTTGCAGC[TC>T]CGGAACTGAGCGACCTCAGAGCCCTGGCAGCTCCAAGGCGCCTTTGCCAGCAGCAGCGGA-3'

ClinVar aggregate classification (germline): Pathogenic (1 of 4 stars; one submission).

Conditions:
Fanconi anemia (FA). Also called: Fanconi's anemia. Identifiers: Orphanet 84, MedGen C0015625, MeSH D005199, MONDO:0019391.

Submission:

Labcorp Genetics (formerly Invitae), Labcorp
Classification: Pathogenic for Fanconi anemia. Last evaluated: 2021-03-31. Review status: criteria provided, single submitter. Criteria: Invitae Variant Classification Sherloc (09022015). Collection method: clinical testing. Allele origin: germline.
Comment: This sequence change creates a premature translational stop signal (p.Gly28Glufs*43) in the FANCM gene. It is expected to result in an absent or disrupted protein product. Loss-of-function variants in FANCM are known to be pathogenic (PMID: 29895858, 30075111). This variant is not present in population databases (ExAC no frequency). For these reasons, this variant has been classified as Pathogenic. This variant has not been reported in the literature in individuals with FANCM-related conditions.

Literature cited by the submitters: PubMed 29895858; PubMed 30075111.